The following is an entry in ClinVar:

NM_000138.5(FBN1):c.3082+9T>A

Gene: FBN1 (fibrillin 1; minus strand). Cytogenetic location: 15q21.1.
Variant type: single nucleotide variant.
Coding change: c.3082+9T>A on transcript NM_000138.5 (MANE Select); 9 bases into the intron after coding-DNA position 3082, T replaced by A.
Molecular consequence: intron variant.
Genome position (GRCh38, 1-based): chr15:48,489,842, A>T on the plus strand (T>A on the coding strand, the complement: FBN1 is on the minus strand). VCF-style: chr15-48489842-A-T. GRCh37 (hg19) VCF-style: chr15-48782039-A-T.
Identifiers: ClinVar variation 513709 (VCV000513709.9), dbSNP rs746303949, ClinGen allele CA7547928.

ClinVar aggregate classification (germline): Likely benign. Review status: criteria provided, multiple submitters, no conflicts (2 of 4 stars). 2 submissions from 2 submitters: Likely benign (2). Last evaluated 2023-01-16.

Conditions:
Familial thoracic aortic aneurysm and aortic dissection (TAAD). Also called: Thoracic aortic aneurysms and dissections. Identifiers: Orphanet 91387, MedGen C4707243, MONDO:0019625.
Marfan syndrome (MFS). Also called: Marfan syndrome type 1; Marfan syndrome, classic; Marfan's syndrome; FBN1-Related Marfan Syndrome; MARFAN SYNDROME, TYPE I. Identifiers: Orphanet 284963, Orphanet 558, MedGen C0024796, MONDO:0007947, OMIM 154700.

Allele frequency attached by ClinVar (database versions not stated): TOPMed 0.00003; gnomAD 0.00010.
gnomAD v4.1: 15 of 1,611,906 alleles (0.00093%); highest among the groups gnomAD compares: African/African-American, 0.02%; no homozygotes.

Submissions (2):

Labcorp Genetics (formerly Invitae), Labcorp
Classification: Likely benign for Marfan syndrome; Familial thoracic aortic aneurysm and aortic dissection. Last evaluated: 2023-01-16. Review status: criteria provided, single submitter. Criteria: Invitae Variant Classification Sherloc (09022015). Collection method: clinical testing. Allele origin: germline.

GeneDx
Classification: Likely benign. Last evaluated: 2017-11-28. Review status: criteria provided, single submitter. Criteria: GeneDx Variant Classification (06012015). Collection method: clinical testing. Allele origin: germline. Affected: yes.
Comment: This variant is considered likely benign or benign based on one or more of the following criteria: it is a conservative change, it occurs at a poorly conserved position in the protein, it is predicted to be benign by multiple in silico algorithms, and/or has population frequency not consistent with disease.